The following is an entry in ClinVar:

NM_020401.4(NUP107):c.2262+9_2262+10del

Gene: NUP107 (nucleoporin 107; plus strand). Cytogenetic location: 12q15.
Variant type: Deletion.
Coding change: c.2262+9_2262+10del on transcript NM_020401.4 (MANE Select); bases 9 to 10 of the intron after coding-DNA position 2262, 2 bases deleted (GT; older notation c.2262+9_2262+10delGT).
Molecular consequence: intron variant.
Genome position (GRCh38, 1-based): chr12:68,733,621-68,733,622, GT deleted; deleting any 2 consecutive bases within chr12:68,733,620-68,733,622 gives the same sequence; the c. name uses the placement nearest the transcript's 3' end. VCF-style (leftmost placement, unchanged base first): chr12-68733619-CTG-C. GRCh37 (hg19) VCF-style: chr12-69127399-CTG-C.
Other names: c.2175+9_2175+10del (NM_001330192.2); c.2262+9_2262+10delGT (NM_020401.3).
Identifiers: ClinVar variation 2142971 (VCV002142971.6), dbSNP rs1379329850, ClinGen allele CA606183638.

ClinVar aggregate classification (germline): Likely benign. Review status: criteria provided, single submitter (1 of 4 stars). 2 submissions from 2 submitters: Likely benign (1). 1 of the submissions does not count toward it. Last evaluated 2022-07-12.

Conditions:
NUP107-related disorder. Also called: NUP107-related condition.

Submissions (2):

Labcorp Genetics (formerly Invitae), Labcorp
Classification: Likely benign. Last evaluated: 2022-07-12. Review status: criteria provided, single submitter. Criteria: Invitae Variant Classification Sherloc (09022015). Collection method: clinical testing. Allele origin: germline.

PreventionGenetics, part of Exact Sciences
Classification: Likely benign for NUP107-related condition. Last evaluated: 2024-02-09. Review status: no assertion criteria provided. Collection method: clinical testing. Allele origin: germline. Not counted in ClinVar's aggregate classification.
Comment: This variant is classified as likely benign based on ACMG/AMP sequence variant interpretation guidelines (Richards et al. 2015 PMID: 25741868, with internal and published modifications).